The following is an entry in ClinVar:

NM_001127511.3(APC):c.39G>C (p.Leu13Phe)

Gene: APC (APC regulator of Wnt signaling pathway; plus strand). Cytogenetic location: 5q22.2.
Variant type: single nucleotide variant.
Coding change: c.39G>C on transcript NM_001127511.3; coding-DNA position 39, G replaced by C.
Protein change: p.Leu13Phe; replaces leucine 13 with phenylalanine.
Molecular consequence: missense variant. On other transcripts: 5 prime UTR variant (8), non-coding transcript variant (1), intron variant (5).
Genome position (GRCh38, 1-based): chr5:112,707,756, G>C. VCF-style: chr5-112707756-G-C. GRCh37 (hg19) VCF-style: chr5-112043453-G-C.
Other names: c.-145G>C (NM_001354895.2, NM_001407447.1, NM_001407452.1 and 3 more transcripts); c.39G>C, p.Leu13Phe (NM_001354897.2, NM_001354902.2, NM_001407446.1); c.-1180G>C (NM_001407470.1, NM_001407472.1); c.-19+107G>C (NM_001407448.1, NM_001407450.1, NM_001407457.1 and 1 more transcripts); c.-43+107G>C (NM_001407453.1); short protein forms L13F.
Identifiers: ClinVar variation 469799 (VCV000469799.10), dbSNP rs772953367, ClinGen allele CA124925119.

ClinVar aggregate classification (germline): Uncertain significance. Review status: criteria provided, multiple submitters, no conflicts (2 of 4 stars). 2 submissions from 2 submitters: Uncertain significance (2). Last evaluated 2026-01-02.

Conditions:
Classic or attenuated familial adenomatous polyposis. Identifiers: MedGen CN372698, MONDO:0021057.
Familial adenomatous polyposis 1 (FAP1). Also called: FAMILIAL ADENOMATOUS POLYPOSIS 1, ATTENUATED; POLYPOSIS, ADENOMATOUS INTESTINAL. Identifiers: MedGen C2713442, MONDO:0021056, OMIM 175100. Disease mechanism: loss of function.

Allele frequency attached by ClinVar (database versions not stated): gnomAD exomes 0.00001.

Submissions (2):

Labcorp Genetics (formerly Invitae), Labcorp
Classification: Uncertain significance for Familial adenomatous polyposis 1. Last evaluated: 2026-01-02. Review status: criteria provided, single submitter. Criteria: Invitae Variant Classification Sherloc (09022015). Collection method: clinical testing. Allele origin: germline.
Comment: This variant occurs in a non-coding region of the APC gene. It does not change the encoded amino acid sequence of the APC protein. This variant is present in population databases (rs772953367, gnomAD 0.002%). This variant has not been reported in the literature in individuals affected with APC-related conditions. ClinVar contains an entry for this variant (Variation ID: 469799). Experimental studies and prediction algorithms are not available or were not evaluated, and the functional significance of this variant is currently unknown. In summary, the available evidence is currently insufficient to determine the role of this variant in disease. Therefore, it has been classified as a Variant of Uncertain Significance.

Department of Pathology and Laboratory Medicine, Sinai Health System
Classification: Uncertain significance for classic or attenuated familial adenomatous polyposis. Last evaluated: 2021-07-30. Review status: criteria provided, single submitter. Criteria: ACMG Guidelines, 2015. Collection method: research. Allele origin: germline.